The following is an entry in ClinVar:

ClinVar aggregate classification (germline): Benign/Likely benign. Review status: criteria provided, multiple submitters, no conflicts (2 of 4 stars). 6 submissions from 4 submitters: Benign (3); Likely benign (3). Last evaluated 2021-09-30.

Conditions:
Autosomal dominant keratitis-ichthyosis-hearing loss syndrome. Also called: Senter syndrome; KID SYNDROME, AUTOSOMAL DOMINANT; HID SYNDROME. Identifiers: Orphanet 477, MedGen C0265336, MONDO:0007850, OMIM 148210.
Autosomal recessive nonsyndromic hearing loss 1A (DFNB1A). Also called: GJB2-Related Autosomal Recessive Nonsyndromic Hearing Loss; GJB6-Related DFNB 1 Nonsyndromic Hearing Loss and Deafness; Connexin 26 deafness; Deafness nonsyndromic, Connexin 26 linked; Nonsyndromic Hearing Loss and Deafness, DFNB1; Deafness, autosomal recessive 1A. Identifiers: Orphanet 90636, MedGen C2673759, MONDO:0009076, OMIM 220290.
Palmoplantar keratoderma-deafness syndrome. Also called: Keratoderma palmoplantar, with deafness; Palmoplantar keratoderma and sensorineural deafness; Hereditary palmoplantar keratoderma with deafness (subtype); Focal palmoplantar keratoderma with sensorineural deafness (subtype); Diffuse palmoplantar keratoderma with deafness (subtype). Identifiers: Orphanet 2202, MedGen C1835672, MONDO:0007852, OMIM 148350.
Ichthyosis, hystrix-like, with hearing loss. Also called: Hystrix-like ichthyosis with deafness. Identifiers: Orphanet 477, MedGen C1865234, MONDO:0011245.
Knuckle pads, deafness AND leukonychia syndrome. Also called: Bart-Pumphrey syndrome. Identifiers: Orphanet 2698, MedGen C0266004, MONDO:0007866, OMIM 149200.
Autosomal dominant nonsyndromic hearing loss 3A. Identifiers: Orphanet 90635, MedGen C2675750, MONDO:0011103, OMIM 601544.
X-linked mixed hearing loss with perilymphatic gusher. Also called: Gusher syndrome; NANCE DEAFNESS; PERILYMPHATIC GUSHER-DEAFNESS SYNDROME; SENSORINEURAL DEAFNESS, PROFOUND, WITH OR WITHOUT A CONDUCTIVE COMPONENT, ASSOCIATED WITH A UNIQUE DEVELOPMENTAL ABNORMALITY OF THE EAR; Deafness, X-linked 2. Identifiers: Orphanet 383, MedGen C1844678, MONDO:0010576, OMIM 304400.
Mutilating keratoderma (VOWNKL). Also called: Keratoderma hereditarium mutilans. Identifiers: Orphanet 494, MedGen C0265964, MONDO:0007422, OMIM 124500.

Allele frequency attached by ClinVar (database versions not stated): gnomAD 0.01243 and 0.01159; TOPMed 0.01292; 1000 Genomes Project 30x 0.01843; 1000 Genomes Project 0.01617.

Submissions (6):

Fulgent Genetics
Classification: Likely benign for Mutilating keratoderma; Autosomal dominant keratitis-ichthyosis-hearing loss syndrome; Palmoplantar keratoderma-deafness syndrome; Knuckle pads, deafness AND leukonychia syndrome; Autosomal recessive nonsyndromic hearing loss 1A; X-linked mixed hearing loss with perilymphatic gusher; Autosomal dominant nonsyndromic hearing loss 3A. Last evaluated: 2021-09-30. Review status: criteria provided, single submitter. Criteria: ACMG Guidelines, 2015. Collection method: clinical testing. Allele origin: unknown.

GeneDx
Classification: Benign. Last evaluated: 2021-06-04. Review status: criteria provided, single submitter. Criteria: GeneDx Variant Classification Process June 2021. Collection method: clinical testing. Allele origin: germline. Affected: yes.

Laboratory for Molecular Medicine, Mass General Brigham Personalized Medicine
Classification: Likely benign. Last evaluated: 2017-05-18. Review status: criteria provided, single submitter. Criteria: LMM Criteria. Collection method: clinical testing. Allele origin: germline. Observed: 16 variant alleles.
Comment: This variant is not expected to have clinical significance because it is present in 3.9% (340/8640) of African chromosomes by the Genome Aggregation Database (g nomAD; dbSNP rs574815423).

Illumina Laboratory Services, Illumina
Classification: Likely benign for Autosomal recessive nonsyndromic hearing loss 1A. Last evaluated: 2017-04-28. Review status: criteria provided, single submitter. Criteria: ICSL Variant Classification Criteria 13 December 2019. Collection method: clinical testing. Allele origin: germline.
Comment: This variant was observed as part of a predisposition screen in an ostensibly healthy population. A literature search was performed for the gene, cDNA change, and amino acid change (where applicable). No publications were found based on this search. Allele frequency data from public databases allowed determination this variant is unlikely to cause disease. Therefore, this variant is classified as likely benign.

Illumina Laboratory Services, Illumina
Classification: Benign for Autosomal dominant keratitis-ichthyosis-hearing loss syndrome. Last evaluated: 2017-04-28. Review status: criteria provided, single submitter. Criteria: ICSL Variant Classification Criteria 13 December 2019. Collection method: clinical testing. Allele origin: germline.
Comment: This variant was observed as part of a predisposition screen in an ostensibly healthy population. A literature search was performed for the gene, cDNA change, and amino acid change (where applicable). No publications were found based on this search. Allele frequency data from public databases was too high to be consistent with this variant causing disease. Therefore, this variant is classified as benign.

Illumina Laboratory Services, Illumina
Classification: Benign for Autosomal dominant nonsyndromic hearing loss 3A. Last evaluated: 2017-04-28. Review status: criteria provided, single submitter. Criteria: ICSL Variant Classification Criteria 13 December 2019. Collection method: clinical testing. Allele origin: germline.
Comment: the same text as in the submission from Illumina Laboratory Services, Illumina above.

NM_004004.6(GJB2):c.-216T>G

Gene: GJB2 (gap junction protein beta 2; minus strand). Cytogenetic location: 13q12.11.
Variant type: single nucleotide variant.
Coding change: c.-216T>G on transcript NM_004004.6 (MANE Select); 216 bases upstream of the start codon, T replaced by G.
Genome position (GRCh38, 1-based): chr13:20,192,976, A>C on the plus strand (T>G on the coding strand, the complement: GJB2 is on the minus strand). VCF-style: chr13-20192976-A-C. GRCh37 (hg19) VCF-style: chr13-20767115-A-C.
Identifiers: ClinVar variation 163525 (VCV000163525.12), dbSNP rs574815423, ClinGen allele CA176163.
Genomic context (GRCh38, chr13:20,192,976, plus strand): 5'-CGCGGGCGCTGCGGGGCCGCAACACCTGTCTCCCGCCGTGGCGCCTTTTAACCGCACCCC[A>C]CACCCCGCCTCTTCCCTCGGAGACTGGGAAAGTTACGGAGGGGGCGGCGCCGCGGGCGGA-3'